The following is an entry in ClinVar:

ClinVar aggregate classification (germline): Uncertain significance (1 of 4 stars; one submission).

Conditions:
Duchenne muscular dystrophy (DMD). Also called: MUSCULAR DYSTROPHY, PSEUDOHYPERTROPHIC PROGRESSIVE, DUCHENNE TYPE; Duchenne Muscular Dystrophy (DMD). Identifiers: Orphanet 98896, MedGen C0013264, MONDO:0010679, OMIM 310200.

Submission:

Labcorp Genetics (formerly Invitae), Labcorp
Classification: Uncertain significance for Duchenne muscular dystrophy. Last evaluated: 2023-04-26. Review status: criteria provided, single submitter. Criteria: Invitae Variant Classification Sherloc (09022015). Collection method: clinical testing. Allele origin: germline.
Comment: In summary, the available evidence is currently insufficient to determine the role of this variant in disease. Therefore, it has been classified as a Variant of Uncertain Significance. Advanced modeling of protein sequence and biophysical properties (such as structural, functional, and spatial information, amino acid conservation, physicochemical variation, residue mobility, and thermodynamic stability) performed at Invitae indicates that this missense variant is not expected to disrupt DMD protein function. ClinVar contains an entry for this variant (Variation ID: 1024696). This missense change has been observed in individual(s) with dilated cardiomyopathy (PMID: 31983221). This variant is not present in population databases (gnomAD no frequency). This sequence change replaces serine, which is neutral and polar, with cysteine, which is neutral and slightly polar, at codon 2102 of the DMD protein (p.Ser2102Cys).

Literature cited by the submitters: PubMed 31983221.

NM_004006.3(DMD):c.6305C>G (p.Ser2102Cys)

Gene: DMD (dystrophin; minus strand). Cytogenetic location: Xp21.1.
Variant type: single nucleotide variant.
Coding change: c.6305C>G on transcript NM_004006.3 (MANE Select); coding-DNA position 6305, C replaced by G.
Protein change: p.Ser2102Cys; replaces serine 2102 with cysteine.
Molecular consequence: missense variant.
Genome position (GRCh38, 1-based): chrX:32,217,049, G>C on the plus strand (C>G on the coding strand, the complement: DMD is on the minus strand). VCF-style: chrX-32217049-G-C. GRCh37 (hg19) VCF-style: chrX-32235166-G-C.
Other names: c.6281C>G, p.Ser2094Cys (NM_000109.4); c.6293C>G, p.Ser2098Cys (NM_004009.3); c.5936C>G, p.Ser1979Cys (NM_004010.3); c.2282C>G, p.Ser761Cys (NM_004011.4); c.2273C>G, p.Ser758Cys (NM_004012.4); short protein forms S1979C, S2094C, S2098C, S2102C, S758C, S761C.
Identifiers: ClinVar variation 1024696 (VCV001024696.9), dbSNP rs2097114904, ClinGen allele CA412660773.
Genomic context (GRCh38, chrX:32,217,049, plus strand): 5'-TCTGTTAGCCACTGATTAAATATCTTTATATCATAATGAAAACGCCGCCATTTCTCAACA[G>C]ATCTGTCAAATCGCCTGCAGGTAAAAGCATATGGATCAAGAAAAATAGATGGATTATGTA-3'
Protein context (NP_003997.2, residues 2092-2112): YKDRQGRFDR[Ser2102Cys]VEKWRRFHYD